The following is an entry in ClinVar:

ClinVar aggregate classification (germline): Pathogenic (1 of 4 stars; one submission).

Submission:

Labcorp Genetics (formerly Invitae), Labcorp
Classification: Pathogenic. Last evaluated: 2022-04-11. Review status: criteria provided, single submitter. Criteria: Invitae Variant Classification Sherloc (09022015). Collection method: clinical testing. Allele origin: germline.
Comment: For these reasons, this variant has been classified as Pathogenic. This variant has not been reported in the literature in individuals affected with CYP11B1-related conditions. This variant is not present in population databases (gnomAD no frequency). This sequence change creates a premature translational stop signal (p.Cys90*) in the CYP11B1 gene. It is expected to result in an absent or disrupted protein product. Loss-of-function variants in CYP11B1 are known to be pathogenic (PMID: 8506298, 26476331).

Literature cited by the submitters: PubMed 8506298; PubMed 26476331.

NM_000497.4(CYP11B1):c.270T>A (p.Cys90Ter)

Gene: CYP11B1 (cytochrome P450 family 11 subfamily B member 1; minus strand). Cytogenetic location: 8q24.3.
Variant type: single nucleotide variant.
Coding change: c.270T>A on transcript NM_000497.4 (MANE Select); coding-DNA position 270, T replaced by A.
Protein change: p.Cys90Ter; replaces cysteine 90 with a stop codon.
Molecular consequence: nonsense.
Genome position (GRCh38, 1-based): chr8:142,879,157, A>T on the plus strand (T>A on the coding strand, the complement: CYP11B1 is on the minus strand). VCF-style: chr8-142879157-A-T. GRCh37 (hg19) VCF-style: chr8-143960573-A-T.
Other names: c.270T>A, p.Cys90Ter (NM_001026213.1); short protein forms C90*.
Identifiers: ClinVar variation 2124575 (VCV002124575.4), dbSNP rs778601992, ClinGen allele CA372396689.
Genomic context (GRCh38, chr8:142,879,157, plus strand): 5'-CCTGTGGGGATGCAGGCTGTCCACCTGTTGCAGCTTCTCCACGTCCTCCGGCAGCATCAC[A>T]CACACCATGCCTGCTCCTCCCAAGTCGTACCTGTGGGGCCAAGCACGAGGCCGTGCTGGA-3'